The following is an entry in ClinVar:

ClinVar aggregate classification (germline): Uncertain significance. Review status: criteria provided, multiple submitters, no conflicts (2 of 4 stars). 3 submissions from 3 submitters: Uncertain significance (3). Last evaluated 2026-04-13.

Conditions:
LCA5-related disorder. Also called: LCA5-related condition.
Inborn genetic diseases. Identifiers: MedGen C0950123, MeSH D030342.

Allele frequency attached by ClinVar (database versions not stated): gnomAD exomes below 0.00001; ExAC 0.00001; gnomAD 0.00001; TOPMed 0.00003; ESP Exome Variant Server 0.00008.
gnomAD v4.1: 4 of 1,613,114 alleles (0.00025%); highest among the groups gnomAD compares: African/African-American, 0.004%; no homozygotes.

Submissions (3):

PreventionGenetics, part of Exact Sciences
Classification: Uncertain significance for LCA5-related condition. Last evaluated: 2026-04-13. Review status: criteria provided, single submitter. Criteria: ACMG Guidelines, 2015. Collection method: clinical testing. Allele origin: germline.
Comment: The LCA5 c.1054A>G variant is predicted to result in the amino acid substitution p.Met352Val. To our knowledge, this variant has not been reported in the literature. This variant is reported in 0.011% of alleles in individuals of African descent in gnomAD. At this time, the clinical significance of this variant is uncertain due to the absence of conclusive functional and genetic evidence.

Ambry Genetics
Classification: Uncertain significance for Inborn genetic diseases. Last evaluated: 2025-11-26. Review status: criteria provided, single submitter. Criteria: Ambry Variant Classification Scheme 2023. Collection method: clinical testing. Allele origin: germline.

Labcorp Genetics (formerly Invitae), Labcorp
Classification: Uncertain significance. Last evaluated: 2021-09-01. Review status: criteria provided, single submitter. Criteria: Invitae Variant Classification Sherloc (09022015). Collection method: clinical testing. Allele origin: germline.
Comment: This sequence change replaces methionine with valine at codon 352 of the LCA5 protein (p.Met352Val). The methionine residue is moderately conserved and there is a small physicochemical difference between methionine and valine. The frequency data for this variant in the population databases is considered unreliable, as metrics indicate poor data quality at this position in the ExAC database. This variant has not been reported in the literature in individuals affected with LCA5-related conditions. Algorithms developed to predict the effect of missense changes on protein structure and function output the following: SIFT: "Tolerated"; PolyPhen-2: "Benign"; Align-GVGD: "Class C0". The valine amino acid residue is found in multiple mammalian species, which suggests that this missense change does not adversely affect protein function. Algorithms developed to predict the effect of sequence changes on RNA splicing suggest that this variant may create or strengthen a splice site. In summary, the available evidence is currently insufficient to determine the role of this variant in disease. Therefore, it has been classified as a Variant of Uncertain Significance.

NM_001122769.3(LCA5):c.1054A>G (p.Met352Val)

Gene: LCA5 (lebercilin LCA5; minus strand). Cytogenetic location: 6q14.1.
Variant type: single nucleotide variant.
Coding change: c.1054A>G on transcript NM_001122769.3 (MANE Select); coding-DNA position 1054, A replaced by G.
Protein change: p.Met352Val; replaces methionine 352 with valine.
Molecular consequence: missense variant.
Genome position (GRCh38, 1-based): chr6:79,491,632, T>C on the plus strand (A>G on the coding strand, the complement: LCA5 is on the minus strand). VCF-style: chr6-79491632-T-C. GRCh37 (hg19) VCF-style: chr6-80201349-T-C.
Other names: c.1054A>G, p.Met352Val (NM_181714.4); c.1054A>G (NM_181714.3); short protein forms M352V.
Identifiers: ClinVar variation 2026550 (VCV002026550.3), dbSNP rs371969825, ClinGen allele CA3900954.